The following is an entry in ClinVar:

NM_004453.4(ETFDH):c.139A>G (p.Thr47Ala)

Gene: ETFDH (electron transfer flavoprotein dehydrogenase; plus strand). Cytogenetic location: 4q32.1.
Variant type: single nucleotide variant.
Coding change: c.139A>G on transcript NM_004453.4 (MANE Select); coding-DNA position 139, A replaced by G.
Protein change: p.Thr47Ala; replaces threonine 47 with alanine.
Molecular consequence: missense variant. On other transcripts: intron variant (1).
Genome position (GRCh38, 1-based): chr4:158,680,571, A>G. VCF-style: chr4-158680571-A-G. GRCh37 (hg19) VCF-style: chr4-159601723-A-G.
Other names: c.35-1624A>G (NM_001281737.2); short protein forms T47A.
Identifiers: ClinVar variation 1438277 (VCV001438277.7), dbSNP rs924962456, ClinGen allele CA108847641.

ClinVar aggregate classification (germline): Uncertain significance (1 of 4 stars; one submission).

Conditions:
Multiple acyl-CoA dehydrogenase deficiency (MADD). Also called: Glutaric acidemia type II; GA 2; Glutaric Acidemia type 2; ETHYLMALONIC-ADIPICACIDURIA; GA II; Glutaric aciduria, type 2. Identifiers: Orphanet 26791, MedGen C0268596, MONDO:0009282, OMIM 231680.

Allele frequency attached by ClinVar (database versions not stated): gnomAD exomes below 0.00001.
gnomAD v4.1: 3 of 1,609,532 alleles (0.00019%); highest among the groups gnomAD compares: Non-Finnish European, 0.00026%; no homozygotes.

Submission:

Labcorp Genetics (formerly Invitae), Labcorp
Classification: Uncertain significance for Multiple acyl-CoA dehydrogenase deficiency. Last evaluated: 2021-08-20. Review status: criteria provided, single submitter. Criteria: Invitae Variant Classification Sherloc (09022015). Collection method: clinical testing. Allele origin: germline.
Comment: This sequence change replaces threonine with alanine at codon 47 of the ETFDH protein (p.Thr47Ala). The threonine residue is highly conserved and there is a small physicochemical difference between threonine and alanine. This variant is not present in population databases (ExAC no frequency). This variant has not been reported in the literature in individuals affected with ETFDH-related conditions. Algorithms developed to predict the effect of missense changes on protein structure and function (SIFT, PolyPhen-2, Align-GVGD) all suggest that this variant is likely to be tolerated. In summary, the available evidence is currently insufficient to determine the role of this variant in disease. Therefore, it has been classified as a Variant of Uncertain Significance.